The following is an entry in ClinVar:

ClinVar aggregate classification (germline): Uncertain significance. Review status: criteria provided, multiple submitters, no conflicts (2 of 4 stars). 2 submissions from 2 submitters: Uncertain significance (2). Last evaluated 2025-11-03.

Conditions:
Hereditary cancer-predisposing syndrome. Also called: Neoplastic Syndromes, Hereditary; Tumor predisposition; Hereditary Cancer Syndrome; Hereditary neoplastic syndrome. Identifiers: Orphanet 140162, MedGen C0027672, MeSH D009386, MONDO:0015356.

Allele frequency attached by ClinVar (database versions not stated): TOPMed below 0.00001; gnomAD 0.00001; gnomAD exomes 0.00001.
gnomAD v4.1: 11 of 1,587,990 alleles (0.00069%); highest among the groups gnomAD compares: East Asian, 0.018%; no homozygotes.

Submissions (2):

Labcorp Genetics (formerly Invitae), Labcorp
Classification: Uncertain significance for Hereditary cancer-predisposing syndrome. Last evaluated: 2025-11-03. Review status: criteria provided, single submitter. Criteria: Invitae Variant Classification Sherloc (09022015). Collection method: clinical testing. Allele origin: germline.
Comment: This sequence change falls in intron 13 of the RAD50 gene. It does not directly change the encoded amino acid sequence of the RAD50 protein. It affects a nucleotide within the consensus splice site. This variant is not present in population databases (gnomAD no frequency). This variant has not been reported in the literature in individuals affected with RAD50-related conditions. ClinVar contains an entry for this variant (Variation ID: 482127). Variants that disrupt the consensus splice site are a relatively common cause of aberrant splicing (PMID: 17576681, 9536098). Algorithms developed to predict the effect of sequence changes on RNA splicing suggest that this variant is not likely to affect RNA splicing. In summary, the available evidence is currently insufficient to determine the role of this variant in disease. Therefore, it has been classified as a Variant of Uncertain Significance.

Ambry Genetics
Classification: Uncertain significance for Hereditary cancer-predisposing syndrome. Last evaluated: 2024-11-18. Review status: criteria provided, single submitter. Criteria: Ambry Variant Classification Scheme 2023. Collection method: clinical testing. Allele origin: germline.
Comment: The c.2207+4A>G intronic variant results from an A to G substitution 4 nucleotides after coding exon 13 in the RAD50 gene. This nucleotide position is well conserved in available vertebrate species. In silico splice site analysis predicts that this alteration will not have any significant effect on splicing. Based on the available evidence, the clinical significance of this variant remains unclear.

Literature cited by the submitters: PubMed 17576681 (cited by Labcorp Genetics (formerly Invitae), Labcorp); PubMed 9536098 (cited by Labcorp Genetics (formerly Invitae), Labcorp).

NM_005732.4(RAD50):c.2207+4A>G

Gene: RAD50 (RAD50 double strand break repair protein; plus strand). Cytogenetic location: 5q31.1.
Variant type: single nucleotide variant.
Coding change: c.2207+4A>G on transcript NM_005732.4 (MANE Select); 4 bases into the intron after coding-DNA position 2207, A replaced by G.
Molecular consequence: intron variant.
Genome position (GRCh38, 1-based): chr5:132,595,814, A>G. VCF-style: chr5-132595814-A-G. GRCh37 (hg19) VCF-style: chr5-131931506-A-G.
Identifiers: ClinVar variation 482127 (VCV000482127.12), dbSNP rs1279333634, ClinGen allele CA658657516.